The following is an entry in ClinVar:

NM_000475.5(NR0B1):c.723T>C (p.Gly241=)

Gene: NR0B1 (nuclear receptor subfamily 0 group B member 1; minus strand). Cytogenetic location: Xp21.2.
Variant type: single nucleotide variant.
Coding change: c.723T>C on transcript NM_000475.5 (MANE Select); coding-DNA position 723, T replaced by C.
Protein change: p.Gly241=; no amino-acid change (glycine 241 retained).
Molecular consequence: synonymous variant.
Genome position (GRCh38, 1-based): chrX:30,308,641, A>G on the plus strand (T>C on the coding strand, the complement: NR0B1 is on the minus strand). VCF-style: chrX-30308641-A-G. GRCh37 (hg19) VCF-style: chrX-30326758-A-G.
Identifiers: ClinVar variation 2660231 (VCV002660231.24), dbSNP rs2519051279, ClinGen allele CA515946242.
Genomic context (GRCh38, chrX:30,308,641, plus strand): 5'-GCCCGCTGAGGCTGCCTCGCAGACCACCTGTGGACTCTTGAGCGCCACCGGCCGCAGCGC[A>G]CCAGAGGAGGTGTCCCACCAGGGGGCCCTCGGCCGCTCCTCCGGAGCCGCCTGCGCTTGA-3'
Protein context (NP_000466.2, residues 231-251): PRAPWWDTSS[Gly241=]ALRPVALKSP

ClinVar aggregate classification (germline): Likely benign (1 of 4 stars; one submission).

Submission:

CeGaT Center for Human Genetics Tuebingen
Classification: Likely benign. Last evaluated: 2022-11-01. Review status: criteria provided, single submitter. Criteria: CeGaT Center For Human Genetics Tuebingen Variant Classification Criteria Version 2. Collection method: clinical testing. Allele origin: germline. Affected: yes. Observed: 1 variant allele.
Comment: NR0B1: PM2:Supporting, BP4, BP7